The following is an entry in ClinVar:

ClinVar aggregate classification (germline): Uncertain significance. Review status: criteria provided, multiple submitters, no conflicts (2 of 4 stars). 2 submissions from 2 submitters: Uncertain significance (2). Last evaluated 2022-05-16.

Conditions:
Luscan-Lumish syndrome. Identifiers: Orphanet 597738, MedGen C4085873, MONDO:0014791, OMIM 616831.

Submissions (2):

GeneDx
Classification: Uncertain significance. Last evaluated: 2022-05-16. Review status: criteria provided, single submitter. Criteria: GeneDx Variant Classification Process June 2021. Collection method: clinical testing. Allele origin: germline. Affected: yes.
Comment: Not observed at significant frequency in large population cohorts (gnomAD); In silico analysis supports that this missense variant does not alter protein structure/function; Has not been previously published as pathogenic or benign to our knowledge

CENTOGENE GmbH and LLC - Guiding Precision Medicine
Classification: Uncertain significance for Luscan-Lumish syndrome. Last evaluated: 2019-06-03. Review status: criteria provided, single submitter. Criteria: ACMG Guidelines, 2015. Collection method: clinical testing. Allele origin: germline.

NM_014159.7(SETD2):c.6821A>C (p.Asp2274Ala)

Gene: SETD2 (SET domain containing 2, histone lysine methyltransferase; minus strand). Cytogenetic location: 3p21.31.
Variant type: single nucleotide variant.
Coding change: c.6821A>C on transcript NM_014159.7 (MANE Select); coding-DNA position 6821, A replaced by C.
Protein change: p.Asp2274Ala; replaces aspartic acid 2274 with alanine.
Molecular consequence: missense variant. On other transcripts: non-coding transcript variant (1).
Genome position (GRCh38, 1-based): chr3:47,056,963, T>G on the plus strand (A>C on the coding strand, the complement: SETD2 is on the minus strand). VCF-style: chr3-47056963-T-G. GRCh37 (hg19) VCF-style: chr3-47098453-T-G.
Other names: c.6689A>C, p.Asp2230Ala (NM_001349370.3); short protein forms D2230A, D2274A.
Identifiers: ClinVar variation 1333971 (VCV001333971.2), dbSNP rs373366089, ClinGen allele CA352519453.
Genomic context (GRCh38, chr3:47,056,963, plus strand): 5'-GTTGCTTGAGACTGTGCAGGAGAGTACTGCTGCTGTACACTGACAGACTGTTGGTTTGAA[T>G]CCCAAACACTATAATTCTGTCCCTGAACTGGGCCGGGGGCCGGCACTGGCAAGACAGCAA-3'
Protein context (NP_054878.5, residues 2264-2284): PVQGQNYSVW[Asp2274Ala]SNQQSVSVQQ